The following is an entry in ClinVar:

ClinVar aggregate classification (germline): Uncertain significance (1 of 4 stars; one submission).

Conditions:
Pitt-Hopkins-like syndrome 2 (PTHSL2). Identifiers: Orphanet 221150, Orphanet 600663, MedGen C3280479, MONDO:0013690, OMIM 614325.

Submission:

Labcorp Genetics (formerly Invitae), Labcorp
Classification: Uncertain significance for Pitt-Hopkins-like syndrome 2. Last evaluated: 2023-04-01. Review status: criteria provided, single submitter. Criteria: Invitae Variant Classification Sherloc (09022015). Collection method: clinical testing. Allele origin: germline.
Comment: An algorithm developed to predict the effect of missense changes on protein structure and function (PolyPhen-2) suggests that this variant is likely to be disruptive. This variant has not been reported in the literature in individuals affected with NRXN1-related conditions. This variant is not present in population databases (gnomAD no frequency). This sequence change replaces methionine, which is neutral and non-polar, with arginine, which is basic and polar, at codon 775 of the NRXN1 protein (p.Met775Arg). In summary, the available evidence is currently insufficient to determine the role of this variant in disease. Therefore, it has been classified as a Variant of Uncertain Significance.

NM_001330078.2(NRXN1):c.2204T>G (p.Met735Arg)

Gene: NRXN1 (neurexin 1; minus strand). Cytogenetic location: 2p16.3.
Variant type: single nucleotide variant.
Coding change: c.2204T>G on transcript NM_001330078.2 (MANE Select); coding-DNA position 2204, T replaced by G.
Protein change: p.Met735Arg; replaces methionine 735 with arginine.
Molecular consequence: missense variant.
Genome position (GRCh38, 1-based): chr2:50,531,370, A>C on the plus strand (T>G on the coding strand, the complement: NRXN1 is on the minus strand). VCF-style: chr2-50531370-A-C. GRCh37 (hg19) VCF-style: chr2-50758508-A-C.
Other names: c.2324T>G, p.Met775Arg (NM_001135659.3); c.2180T>G, p.Met727Arg (NM_001330077.2, NM_001330082.2, NM_001330095.2); c.2165T>G, p.Met722Arg (NM_001330083.2, NM_001330084.2); c.2204T>G, p.Met735Arg (NM_001330085.2, NM_001330086.2, NM_004801.6); c.2120T>G, p.Met707Arg (NM_001330087.2, NM_001330096.2); c.2150T>G, p.Met717Arg (NM_001330088.2); c.2201T>G, p.Met734Arg (NM_001330093.2); c.2192T>G, p.Met731Arg (NM_001330094.2); short protein forms M707R, M731R, M734R, M722R, M727R, M735R, M775R, M717R.
Identifiers: ClinVar variation 2851410 (VCV002851410.3), dbSNP rs1294111154, ClinGen allele CA346769688.